The following is an entry in ClinVar:

NM_002968.3(SALL1):c.3549_3550insG (p.His1184fs)

Gene: SALL1 (spalt like transcription factor 1; minus strand). Cytogenetic location: 16q12.1.
Variant type: Insertion.
Coding change: c.3549_3550insG on transcript NM_002968.3 (MANE Select); coding-DNA positions 3549 to 3550, G inserted.
Protein change: p.His1184fs; shifts the reading frame from histidine 1184.
Molecular consequence: frameshift variant.
Genome position: GRCh38 VCF-style: chr16-51137537-G-GC. GRCh37 (hg19) VCF-style: chr16-51171448-G-GC.
Other names: c.3258_3259insG, p.His1087fs (NM_001127892.2); short protein forms H1087fs, H1184fs.
Identifiers: ClinVar variation 4886497 (VCV004886497.2).

ClinVar aggregate classification (germline): Likely pathogenic (1 of 4 stars; one submission).

Submission:

Dasa
Classification: Likely pathogenic. Last evaluated: 2025-09-04. Review status: criteria provided, single submitter. Criteria: DASA Assertion Criteria. Collection method: clinical testing. Allele origin: germline.
Comment: NM_002968.3(SALL1):c.3549_3550insG (p.His1184Alafs*5) is a frameshift variant in SALL1 predicted to alter the reading frame and introduce a premature termination codon and is predicted to result in an absent or altered protein product. Loss of function is an established disease mechanism for SALL1-associated disorders. Also, this variant is absent from population databases. Based on the currently available evidence, this variant is classified as likely pathogenic.